The following is an entry in ClinVar:

NM_024685.4(BBS10):c.1218C>T (p.Leu406=)

Gene: BBS10 (Bardet-Biedl syndrome 10; minus strand). Cytogenetic location: 12q21.2.
Variant type: single nucleotide variant.
Coding change: c.1218C>T on transcript NM_024685.4 (MANE Select); coding-DNA position 1218, C replaced by T.
Protein change: p.Leu406=; no amino-acid change (leucine 406 retained).
Molecular consequence: synonymous variant.
Genome position (GRCh38, 1-based): chr12:76,346,767, G>A on the plus strand (C>T on the coding strand, the complement: BBS10 is on the minus strand). VCF-style: chr12-76346767-G-A. GRCh37 (hg19) VCF-style: chr12-76740547-G-A.
Other names: c.1218C>T (NM_024685.3).
Identifiers: ClinVar variation 1123426 (VCV001123426.10), dbSNP rs758194221, ClinGen allele CA481011307.

ClinVar aggregate classification (germline): Likely benign. Review status: criteria provided, single submitter (1 of 4 stars). 2 submissions from 2 submitters: Likely benign (1). 1 of the submissions does not count toward it. Last evaluated 2020-01-08.

Conditions:
BBS10-related disorder. Also called: BBS10-related condition.
Bardet-Biedl syndrome (BBS). Identifiers: Orphanet 110, MedGen C0752166, MONDO:0015229.

Submissions (2):

Labcorp Genetics (formerly Invitae), Labcorp
Classification: Likely benign for Bardet-Biedl syndrome. Last evaluated: 2020-01-08. Review status: criteria provided, single submitter. Criteria: Invitae Variant Classification Sherloc (09022015). Collection method: clinical testing. Allele origin: germline.

PreventionGenetics, part of Exact Sciences
Classification: Likely benign for BBS10-related condition. Last evaluated: 2024-04-19. Review status: no assertion criteria provided. Collection method: clinical testing. Allele origin: germline. Not counted in ClinVar's aggregate classification.
Comment: This variant is classified as likely benign based on ACMG/AMP sequence variant interpretation guidelines (Richards et al. 2015 PMID: 25741868, with internal and published modifications).